The following is an entry in ClinVar:

ClinVar aggregate classification (germline): Pathogenic (1 of 4 stars; one submission).

Conditions:
Neurofibromatosis, type 1 (NF1). Also called: NEUROFIBROMATOSIS, TYPE I, SOMATIC; Peripheral type neurofibromatosis; VON RECKLINGHAUSEN DISEASE; Neurofibromatosis, type I. Identifiers: Orphanet 636, MedGen C0027831, MONDO:0018975, OMIM 162200. Disease mechanism: loss of function.

Submission:

Labcorp Genetics (formerly Invitae), Labcorp
Classification: Pathogenic for Neurofibromatosis, type 1. Last evaluated: 2022-10-31. Review status: criteria provided, single submitter. Criteria: Invitae Variant Classification Sherloc (09022015). Collection method: clinical testing. Allele origin: germline.
Comment: This sequence change creates a premature translational stop signal (p.Asn1854*) in the NF1 gene. It is expected to result in an absent or disrupted protein product. Loss-of-function variants in NF1 are known to be pathogenic (PMID: 10712197, 23913538). This variant is not present in population databases (gnomAD no frequency). This variant has not been reported in the literature in individuals affected with NF1-related conditions. For these reasons, this variant has been classified as Pathogenic.

Literature cited by the submitters: PubMed 10712197; PubMed 23913538.

NM_001042492.3(NF1):c.5622dup (p.Asn1875Ter)

Gene: NF1 (neurofibromin 1; plus strand). Cytogenetic location: 17q11.2.
Variant type: Duplication.
Coding change: c.5622dup on transcript NM_001042492.3 (MANE Select); coding-DNA position 5622, one base duplicated (T; older notation c.5622dupT).
Protein change: p.Asn1875Ter; replaces asparagine 1875 with a stop codon.
Molecular consequence: nonsense. On other transcripts: frameshift variant (1).
Genome position (GRCh38, 1-based): chr17:31,330,308, T duplicated. VCF-style (leftmost placement, unchanged base first): chr17-31330307-A-AT. GRCh37 (hg19) VCF-style: chr17-29657325-A-AT.
Other names: c.5559dup, p.Asn1854Terfs (NM_000267.4); short protein forms N1854*, N1875*.
Identifiers: ClinVar variation 2810884 (VCV002810884.3), dbSNP rs2508717670, ClinGen allele CA2739267471.